The following is an entry in ClinVar:

ClinVar aggregate classification (germline): Uncertain significance (1 of 4 stars; one submission).

Allele frequency attached by ClinVar (database versions not stated): gnomAD exomes below 0.00001.
gnomAD v4.1: 1 of 1,614,026 alleles (0.000062%); highest among the groups gnomAD compares: Non-Finnish European, 0.000085%; no homozygotes.

Submission:

GeneDx
Classification: Uncertain significance. Last evaluated: 2019-11-27. Review status: criteria provided, single submitter. Criteria: GeneDx Variant Classification Process June 2021. Collection method: clinical testing. Allele origin: germline. Affected: yes.
Comment: Not observed at a significant frequency in large population cohorts (Lek et al., 2016); In silico analysis, which includes protein predictors and evolutionary conservation, supports that this variant does not alter protein structure/function; Has not been previously published as pathogenic or benign to our knowledge

NM_001378454.1(ALMS1):c.1660G>C (p.Val554Leu)

Gene: ALMS1 (ALMS1 centrosome and basal body associated protein; plus strand). Cytogenetic location: 2p13.1.
Variant type: single nucleotide variant.
Coding change: c.1660G>C on transcript NM_001378454.1 (MANE Select); coding-DNA position 1660, G replaced by C.
Protein change: p.Val554Leu; replaces valine 554 with leucine.
Molecular consequence: missense variant.
Genome position (GRCh38, 1-based): chr2:73,448,187, G>C. VCF-style: chr2-73448187-G-C. GRCh37 (hg19) VCF-style: chr2-73675314-G-C.
Other names: c.1663G>C, p.Val555Leu (NM_015120.4); short protein forms V554L, V555L.
Identifiers: ClinVar variation 1310765 (VCV001310765.2), dbSNP rs1558647450, ClinGen allele CA347265046.